The following is an entry in ClinVar:

NM_001105206.3(LAMA4):c.1829G>A (p.Ser610Asn)

Gene: LAMA4 (laminin subunit alpha 4; minus strand). Cytogenetic location: 6q21.
Variant type: single nucleotide variant.
Coding change: c.1829G>A on transcript NM_001105206.3 (MANE Select); coding-DNA position 1829, G replaced by A.
Protein change: p.Ser610Asn; replaces serine 610 with asparagine.
Molecular consequence: missense variant.
Genome position (GRCh38, 1-based): chr6:112,155,695, C>T on the plus strand (G>A on the coding strand, the complement: LAMA4 is on the minus strand). VCF-style: chr6-112155695-C-T. GRCh37 (hg19) VCF-style: chr6-112476897-C-T.
Other names: c.1808G>A, p.Ser603Asn (NM_001105207.3, NM_002290.5); short protein forms S603N, S610N.
Identifiers: ClinVar variation 648068 (VCV000648068.8), dbSNP rs1554336789, ClinGen allele CA365364728.

ClinVar aggregate classification (germline): Uncertain significance (1 of 4 stars; one submission).

Conditions:
Dilated cardiomyopathy 1JJ (CMD1JJ). Identifiers: Orphanet 154, MedGen C3808935, MONDO:0014095, OMIM 615235.

Allele frequency attached by ClinVar (database versions not stated): gnomAD exomes below 0.00001.
gnomAD v4.1: 1 of 1,614,110 alleles (0.000062%); highest among the groups gnomAD compares: Admixed American, 0.0017%; no homozygotes.

Submission:

Labcorp Genetics (formerly Invitae), Labcorp
Classification: Uncertain significance for Dilated cardiomyopathy 1JJ. Last evaluated: 2018-08-26. Review status: criteria provided, single submitter. Criteria: Invitae Variant Classification Sherloc (09022015). Collection method: clinical testing. Allele origin: germline.
Comment: This sequence change replaces serine with asparagine at codon 603 of the LAMA4 protein (p.Ser603Asn). The serine residue is moderately conserved and there is a small physicochemical difference between serine and asparagine. In summary, the available evidence is currently insufficient to determine the role of this variant in disease. Therefore, it has been classified as a Variant of Uncertain Significance. Algorithms developed to predict the effect of missense changes on protein structure and function output the following: SIFT: "Tolerated"; PolyPhen-2: "Benign"; Align-GVGD: "Class C0". The asparagine amino acid residue is found in multiple mammalian species, suggesting that this missense change does not adversely affect protein function. These predictions have not been confirmed by published functional studies and their clinical significance is uncertain. This variant has not been reported in the literature in individuals with LAMA4-related disease. This variant is not present in population databases (ExAC no frequency).